The following is an entry in ClinVar:

ClinVar aggregate classification (germline): Uncertain significance. Review status: criteria provided, multiple submitters, no conflicts (2 of 4 stars). 2 submissions from 2 submitters: Uncertain significance (2). Last evaluated 2021-09-02.

Conditions:
Hereditary cancer-predisposing syndrome. Also called: Tumor predisposition; Hereditary neoplastic syndrome; Neoplastic Syndromes, Hereditary; Hereditary Cancer Syndrome. Identifiers: Orphanet 140162, MedGen C0027672, MeSH D009386, MONDO:0015356.

Submissions (2):

Labcorp Genetics (formerly Invitae), Labcorp
Classification: Uncertain significance for Hereditary cancer-predisposing syndrome. Last evaluated: 2021-09-02. Review status: criteria provided, single submitter. Criteria: Invitae Variant Classification Sherloc (09022015). Collection method: clinical testing. Allele origin: germline.
Comment: In summary, the available evidence is currently insufficient to determine the role of this variant in disease. Therefore, it has been classified as a Variant of Uncertain Significance. Algorithms developed to predict the effect of missense changes on protein structure and function (SIFT, PolyPhen-2, Align-GVGD) all suggest that this variant is likely to be tolerated. ClinVar contains an entry for this variant (Variation ID: 818518). This variant has not been reported in the literature in individuals affected with RAD50-related conditions. This variant is not present in population databases (ExAC no frequency). This sequence change replaces lysine with asparagine at codon 394 of the RAD50 protein (p.Lys394Asn). The lysine residue is moderately conserved and there is a moderate physicochemical difference between lysine and asparagine.

Ambry Genetics
Classification: Uncertain significance for Hereditary cancer-predisposing syndrome. Last evaluated: 2018-02-02. Review status: criteria provided, single submitter. Criteria: Ambry Variant Classification Scheme 2023. Collection method: clinical testing. Allele origin: germline.
Comment: The p.K394N variant (also known as c.1182A>T), located in coding exon 8 of the RAD50 gene, results from an A to T substitution at nucleotide position 1182. The lysine at codon 394 is replaced by asparagine, an amino acid with similar properties. This amino acid position is not well conserved in available vertebrate species. In addition, this alteration is predicted to be tolerated by in silico analysis. Since supporting evidence is limited at this time, the clinical significance of this alteration remains unclear.

NM_005732.4(RAD50):c.1182A>T (p.Lys394Asn)

Gene: RAD50 (RAD50 double strand break repair protein; plus strand). Cytogenetic location: 5q31.1.
Variant type: single nucleotide variant.
Coding change: c.1182A>T on transcript NM_005732.4 (MANE Select); coding-DNA position 1182, A replaced by T.
Protein change: p.Lys394Asn; replaces lysine 394 with asparagine.
Molecular consequence: missense variant.
Genome position (GRCh38, 1-based): chr5:132,588,817, A>T. VCF-style: chr5-132588817-A-T. GRCh37 (hg19) VCF-style: chr5-131924509-A-T.
Other names: short protein forms K394N.
Identifiers: ClinVar variation 818518 (VCV000818518.10), dbSNP rs781558076, ClinGen allele CA360942820.